The following is an entry in ClinVar:

ClinVar aggregate classification (germline): Uncertain significance (1 of 4 stars; one submission).

Conditions:
Bloom syndrome (BLM). Also called: Bloom-Torre-Machacek syndrome. Identifiers: Orphanet 125, MedGen C0005859, MONDO:0008876, OMIM 210900.

Submission:

Labcorp Genetics (formerly Invitae), Labcorp
Classification: Uncertain significance for Bloom syndrome. Last evaluated: 2025-07-01. Review status: criteria provided, single submitter. Criteria: Invitae Variant Classification Sherloc (09022015). Collection method: clinical testing. Allele origin: germline.
Comment: This variant, c.2889_2912dup, results in the insertion of 8 amino acid(s) of the BLM protein (p.Val970_Glu971insAspAlaSerLeuProLysSerVal), but otherwise preserves the integrity of the reading frame. This variant is not present in population databases (gnomAD no frequency). This variant has not been reported in the literature in individuals affected with BLM-related conditions. In summary, the available evidence is currently insufficient to determine the role of this variant in disease. Therefore, it has been classified as a Variant of Uncertain Significance.

NM_000057.4(BLM):c.2889_2912dup (p.Val970_Glu971insAspAlaSerLeuProLysSerVal)

Gene: BLM (BLM RecQ like helicase; plus strand). Cytogenetic location: 15q26.1.
Variant type: Duplication.
Coding change: c.2889_2912dup on transcript NM_000057.4 (MANE Select); coding-DNA positions 2889 to 2912, 24 bases duplicated (TGCATCTCTCCCTAAATCTGTGGA).
Protein change: p.Val970_Glu971insAspAlaSerLeuProLysSerVal.
Molecular consequence: inframe insertion.
Genome position (GRCh38, 1-based): chr15:90,790,714-90,790,737, TGCATCTCTCCCTAAATCTGTGGA duplicated; duplicating any 24 consecutive bases within chr15:90,790,713-90,790,737 gives the same sequence; the c. name uses the placement nearest the transcript's 3' end. VCF-style (leftmost placement, unchanged base first): chr15-90790712-C-CATGCATCTCTCCCTAAATCTGTGG. GRCh37 (hg19) VCF-style: chr15-91333942-C-CATGCATCTCTCCCTAAATCTGTGG.
Other names: c.2889_2912dup, p.Val970_Glu971insAspAlaSerLeuProLysSerVal (NM_001287246.2, NM_001287247.2); c.1764_1787dup, p.Val595_Glu596insAspAlaSerLeuProLysSerVal (NM_001287248.2).
Identifiers: ClinVar variation 4722422 (VCV004722422.1).